The following is an entry in ClinVar:

NC_000014.8:g.(?_35182071)_(35873850_?)del

Genes: PPP2R3C (protein phosphatase 2 regulatory subunit B''gamma; minus strand), CFL2 (cofilin 2; minus strand), BAZ1A (bromodomain adjacent to zinc finger domain 1A; minus strand), FAM177A1 (family with sequence similarity 177 member A1; plus strand), PRORP (protein only RNase P catalytic subunit; plus strand) and 3 more. Cytogenetic location: 14q13.1-13.2.
Variant type: Deletion.
Identifiers: ClinVar variation 2424631 (VCV002424631.5).

ClinVar aggregate classification (germline): Uncertain significance. Review status: criteria provided, single submitter (1 of 4 stars). 2 submissions from 1 submitter: Uncertain significance (1). 1 of the submissions does not count toward it. Last evaluated 2022-07-19.

Conditions:
Ectodermal dysplasia and immunodeficiency 2. Identifiers: Orphanet 238468, Orphanet 98813, MedGen C2677481, MONDO:0012806, OMIM 612132.

Submissions (2):

Labcorp Genetics (formerly Invitae), Labcorp
Classification: Uncertain significance for Ectodermal dysplasia and immunodeficiency 2. Last evaluated: 2022-07-19. Review status: criteria provided, single submitter. Criteria: Invitae Variant Classification Sherloc (09022015). Collection method: clinical testing. Allele origin: germline.
Comment: A gross deletion of the genomic region encompassing the full coding sequence of the NFKBIA gene has been identified. The current clinical and genetic evidence is not sufficient to establish whether loss-of-function variants in NFKBIA cause disease. The boundaries of this event are unknown as they extend beyond the assayed region for this gene and therefore may encompass additional genes. This variant has not been reported in the literature in individuals affected with NFKBIA-related conditions. In summary, the available evidence is currently insufficient to determine the role of this variant in disease. Therefore, it has been classified as a Variant of Uncertain Significance.

Labcorp Genetics (formerly Invitae), Labcorp
Classification: Uncertain significance. Last evaluated: 2022-07-19. Review status: flagged submission. Criteria: Invitae Variant Classification Sherloc (09022015). Collection method: clinical testing. Allele origin: germline. Not counted in ClinVar's aggregate classification.
Comment: A gross deletion of the genomic region encompassing the full coding sequence of the SRP54 gene has been identified. The current clinical and genetic evidence is not sufficient to establish whether loss-of-function variants in SRP54 cause disease. The boundaries of this event are unknown as they extend beyond the assayed region for this gene and therefore may encompass additional genes. This variant has not been reported in the literature in individuals affected with SRP54-related conditions. In summary, the available evidence is currently insufficient to determine the role of this variant in disease. Therefore, it has been classified as a Variant of Uncertain Significance.
ClinVar note: Reason: This record appears to be redundant with a more recent record from the same submitter.
ClinVar note: Notes: SCV003791295 appears to be redundant with SCV003791708.